The following is an entry in ClinVar:

NM_001378454.1(ALMS1):c.11341T>C (p.Ser3781Pro)

Gene: ALMS1 (ALMS1 centrosome and basal body associated protein; plus strand). Cytogenetic location: 2p13.1.
Variant type: single nucleotide variant.
Coding change: c.11341T>C on transcript NM_001378454.1 (MANE Select); coding-DNA position 11341, T replaced by C.
Protein change: p.Ser3781Pro; replaces serine 3781 with proline.
Molecular consequence: missense variant.
Genome position (GRCh38, 1-based): chr2:73,573,218, T>C. VCF-style: chr2-73573218-T-C. GRCh37 (hg19) VCF-style: chr2-73800345-T-C.
Other names: c.11344T>C, p.Ser3782Pro (NM_015120.4); short protein forms S3781P, S3782P.
Identifiers: ClinVar variation 2413913 (VCV002413913.6), dbSNP rs1160364567, ClinGen allele CA347289172.

ClinVar aggregate classification (germline): Uncertain significance (1 of 4 stars; one submission).

Conditions:
Alstrom syndrome (ALMS). Identifiers: Orphanet 64, MedGen C0268425, MONDO:0008763, OMIM 203800.

Allele frequency attached by ClinVar (database versions not stated): gnomAD exomes below 0.00001; TOPMed below 0.00001; gnomAD 0.00001.
gnomAD v4.1: 2 of 1,613,014 alleles (0.00012%); highest among the groups gnomAD compares: African/African-American, 0.0013%; no homozygotes.

Submission:

Labcorp Genetics (formerly Invitae), Labcorp
Classification: Uncertain significance for Alstrom syndrome. Last evaluated: 2023-05-08. Review status: criteria provided, single submitter. Criteria: Invitae Variant Classification Sherloc (09022015). Collection method: clinical testing. Allele origin: germline.
Comment: This variant is present in population databases (no rsID available, gnomAD 0.01%). This variant has not been reported in the literature in individuals affected with ALMS1-related conditions. ClinVar contains an entry for this variant (Variation ID: 2413913). Experimental studies and prediction algorithms are not available or were not evaluated, and the functional significance of this variant is currently unknown. In summary, the available evidence is currently insufficient to determine the role of this variant in disease. Therefore, it has been classified as a Variant of Uncertain Significance. This sequence change replaces serine, which is neutral and polar, with proline, which is neutral and non-polar, at codon 3782 of the ALMS1 protein (p.Ser3782Pro).